The following is an entry in ClinVar:

NM_138387.4(G6PC3):c.203A>G (p.Asn68Ser)

Genes: G6PC3 (glucose-6-phosphatase catalytic subunit 3; plus strand), LOC130060959 (ATAC-STARR-seq lymphoblastoid active region 12250; plus strand). Cytogenetic location: 17q21.31.
Variant type: single nucleotide variant.
Coding change: c.203A>G on transcript NM_138387.4 (MANE Select); coding-DNA position 203, A replaced by G.
Protein change: p.Asn68Ser; replaces asparagine 68 with serine.
Molecular consequence: missense variant. On other transcripts: 5 prime UTR variant (3), intron variant (1).
Genome position (GRCh38, 1-based): chr17:44,071,168, A>G. VCF-style: chr17-44071168-A-G. GRCh37 (hg19) VCF-style: chr17-42148536-A-G.
Other names: c.203A>G, p.Asn68Ser (NM_001319945.2); c.-202A>G (NM_001384165.1); c.-337A>G (NM_001384166.1); c.-327A>G (NM_001384167.1); c.-312+454A>G (NM_001384168.1); short protein forms N68S.
Identifiers: ClinVar variation 1715418 (VCV001715418.7), dbSNP rs2509358128, ClinGen allele CA399746453.

ClinVar aggregate classification (germline): Uncertain significance. Review status: criteria provided, multiple submitters, no conflicts (2 of 4 stars). 2 submissions from 2 submitters: Uncertain significance (2). Last evaluated 2026-06-29.

Conditions:
Inborn genetic diseases. Identifiers: MedGen C0950123, MeSH D030342.
Autosomal recessive severe congenital neutropenia due to G6PC3 deficiency. Also called: NEUTROPENIA, SEVERE CONGENITAL, 4, AUTOSOMAL RECESSIVE; G6PC3 Deficiency. Identifiers: Orphanet 331176, MedGen C2751630, MONDO:0012930, OMIM 612541.

Submissions (2):

Ambry Genetics
Classification: Uncertain significance for Inborn genetic diseases. Last evaluated: 2026-06-29. Review status: criteria provided, single submitter. Criteria: Ambry Variant Classification Scheme 2023. Collection method: clinical testing. Allele origin: germline.
Comment: The p.N68S variant (also known as c.203A>G), located in coding exon 1 of the G6PC3 gene, results from an A to G substitution at nucleotide position 203. The asparagine at codon 68 is replaced by serine, an amino acid with highly similar properties. This amino acid position is conserved. In addition, the in silico prediction for this alteration is inconclusive. Based on the available evidence, the clinical significance of this variant remains unclear.

Labcorp Genetics (formerly Invitae), Labcorp
Classification: Uncertain significance for Autosomal recessive severe congenital neutropenia due to G6PC3 deficiency. Last evaluated: 2022-08-06. Review status: criteria provided, single submitter. Criteria: Invitae Variant Classification Sherloc (09022015). Collection method: clinical testing. Allele origin: germline.
Comment: Algorithms developed to predict the effect of missense changes on protein structure and function (SIFT, PolyPhen-2, Align-GVGD) all suggest that this variant is likely to be disruptive. In summary, the available evidence is currently insufficient to determine the role of this variant in disease. Therefore, it has been classified as a Variant of Uncertain Significance. This sequence change replaces asparagine, which is neutral and polar, with serine, which is neutral and polar, at codon 68 of the G6PC3 protein (p.Asn68Ser). This variant is not present in population databases (gnomAD no frequency). This variant has not been reported in the literature in individuals affected with G6PC3-related conditions.